The following is an entry in ClinVar:

ClinVar aggregate classification (germline): Uncertain significance (1 of 4 stars; one submission).

Allele frequency attached by ClinVar (database versions not stated): gnomAD exomes below 0.00001; TOPMed below 0.00001.

Submission:

Labcorp Genetics (formerly Invitae), Labcorp
Classification: Uncertain significance. Last evaluated: 2025-10-26. Review status: criteria provided, single submitter. Criteria: Invitae Variant Classification Sherloc (09022015). Collection method: clinical testing. Allele origin: germline.
Comment: This sequence change replaces leucine, which is neutral and non-polar, with phenylalanine, which is neutral and non-polar, at codon 1136 of the LAMC3 protein (p.Leu1136Phe). This variant is not present in population databases (gnomAD no frequency). This variant has not been reported in the literature in individuals affected with LAMC3-related conditions. ClinVar contains an entry for this variant (Variation ID: 1433298). An algorithm developed to predict the effect of missense changes on protein structure and function (PolyPhen-2) suggests that this variant is likely to be disruptive. In summary, the available evidence is currently insufficient to determine the role of this variant in disease. Therefore, it has been classified as a Variant of Uncertain Significance.

NM_006059.4(LAMC3):c.3406C>T (p.Leu1136Phe)

Gene: LAMC3 (laminin subunit gamma 3; plus strand). Cytogenetic location: 9q34.12.
Variant type: single nucleotide variant.
Coding change: c.3406C>T on transcript NM_006059.4 (MANE Select); coding-DNA position 3406, C replaced by T.
Protein change: p.Leu1136Phe; replaces leucine 1136 with phenylalanine.
Molecular consequence: missense variant.
Genome position (GRCh38, 1-based): chr9:131,072,824, C>T. VCF-style: chr9-131072824-C-T. GRCh37 (hg19) VCF-style: chr9-133948211-C-T.
Other names: short protein forms L1136F.
Identifiers: ClinVar variation 1433298 (VCV001433298.6), dbSNP rs1264469858, ClinGen allele CA375259498.